The following is an entry in ClinVar:

NM_000254.3(MTR):c.1379T>A (p.Leu460Ter)

Gene: MTR (5-methyltetrahydrofolate-homocysteine methyltransferase; plus strand). Cytogenetic location: 1q43.
Variant type: single nucleotide variant.
Coding change: c.1379T>A on transcript NM_000254.3 (MANE Select); coding-DNA position 1379, T replaced by A.
Protein change: p.Leu460Ter; replaces leucine 460 with a stop codon.
Molecular consequence: nonsense.
Genome position (GRCh38, 1-based): chr1:236,838,463, T>A. VCF-style: chr1-236838463-T-A. GRCh37 (hg19) VCF-style: chr1-237001763-T-A.
Other names: c.1379T>A, p.Leu460Ter (NM_001291939.1, NM_001410942.1); c.158T>A, p.Leu53Ter (NM_001291940.2); short protein forms L460*, L53*.
Identifiers: ClinVar variation 3623490 (VCV003623490.2).
Genomic context (GRCh38, chr1:236,838,463, plus strand): 5'-TCTGATCTCAGGTACCTTTGTGCATCGACTCCTCCAATTTTGCTGTGATTGAAGCTGGGT[T>A]AAAGTGCTGCCAAGGGAAGTGCATTGTCAATAGCATTAGTCTGAAGGAAGGAGAGGACGA-3'

ClinVar aggregate classification (germline): Pathogenic (1 of 4 stars; one submission).

Conditions:
Methylcobalamin deficiency type cblG (HMAG). Also called: HOMOCYSTINURIA-MEGALOBLASTIC ANEMIA, cblG COMPLEMENTATION TYPE; Functional methionine synthase deficiency type cblG; HOMOCYSTINURIA-MEGALOBLASTIC ANEMIA, cblG TYPE; HOMOCYSTINURIA-MEGALOBLASTIC ANEMIA DUE TO DEFECT IN COBALAMIN METABOLISM, cblG COMPLEMENTATION TYPE. Identifiers: Orphanet 2170, Orphanet 622, MedGen C1855128, MONDO:0009609, OMIM 250940.

gnomAD v4.1: 2 of 1,614,146 alleles (0.00012%); highest among the groups gnomAD compares: Non-Finnish European, 0.00017%; no homozygotes.

Submission:

Labcorp Genetics (formerly Invitae), Labcorp
Classification: Pathogenic for Methylcobalamin deficiency type cblG. Last evaluated: 2024-03-19. Review status: criteria provided, single submitter. Criteria: Invitae Variant Classification Sherloc (09022015). Collection method: clinical testing. Allele origin: germline.
Comment: This sequence change creates a premature translational stop signal (p.Leu460*) in the MTR gene. It is expected to result in an absent or disrupted protein product. Loss-of-function variants in MTR are known to be pathogenic (PMID: 9683607, 12068375). This variant is not present in population databases (gnomAD no frequency). This variant has not been reported in the literature in individuals affected with MTR-related conditions. For these reasons, this variant has been classified as Pathogenic.

Literature cited by the submitters: PubMed 9683607; PubMed 12068375.